The following is an entry in ClinVar:

NM_001365951.3(KIF1B):c.3799T>C (p.Tyr1267His)

Gene: KIF1B (kinesin family member 1B; plus strand). Cytogenetic location: 1p36.22.
Variant type: single nucleotide variant.
Coding change: c.3799T>C on transcript NM_001365951.3 (MANE Select); coding-DNA position 3799, T replaced by C.
Protein change: p.Tyr1267His; replaces tyrosine 1267 with histidine.
Molecular consequence: missense variant.
Genome position (GRCh38, 1-based): chr1:10,347,762, T>C. VCF-style: chr1-10347762-T-C. GRCh37 (hg19) VCF-style: chr1-10407820-T-C.
Other names: c.3799T>C, p.Tyr1267His (NM_001365952.1); c.3661T>C, p.Tyr1221His (NM_015074.3); short protein forms Y1221H, Y1267H.
Identifiers: ClinVar variation 2448736 (VCV002448736.2), dbSNP rs2521791647, ClinGen allele CA338343008.

ClinVar aggregate classification (germline): Uncertain significance (1 of 4 stars; one submission).

Submission:

Ambry Genetics
Classification: Uncertain significance. Last evaluated: 2022-12-23. Review status: criteria provided, single submitter. Criteria: Ambry Variant Classification Scheme 2023. Collection method: clinical testing. Allele origin: germline.
Comment: The p.Y1221H variant (also known as c.3661T>C), located in coding exon 33 of the KIF1B gene, results from a T to C substitution at nucleotide position 3661. The tyrosine at codon 1221 is replaced by histidine, an amino acid with similar properties. This amino acid position is conserved. In addition, this alteration is predicted to be deleterious by in silico analysis. Since supporting evidence is limited at this time, the clinical significance of this alteration remains unclear.